The following is an entry in ClinVar:

NM_001100913.3(PACS2):c.2255+1G>A

Gene: PACS2 (phosphofurin acidic cluster sorting protein 2; plus strand). Cytogenetic location: 14q32.33.
Variant type: single nucleotide variant.
Coding change: c.2255+1G>A on transcript NM_001100913.3 (MANE Select); the canonical splice donor site of the intron after coding-DNA position 2255, G replaced by A.
Molecular consequence: splice donor variant.
Genome position (GRCh38, 1-based): chr14:105,391,767, G>A. VCF-style: chr14-105391767-G-A. GRCh37 (hg19) VCF-style: chr14-105858104-G-A.
Other names: c.1985+1G>A (NM_001243127.3); c.2210+1G>A (NM_015197.4).
Identifiers: ClinVar variation 4538639 (VCV004538639.1).

ClinVar aggregate classification (germline): Uncertain significance (1 of 4 stars; one submission).

Submission:

GeneDx
Classification: Uncertain significance. Last evaluated: 2025-06-17. Review status: criteria provided, single submitter. Criteria: GeneDx Variant Classification Process June 2021. Collection method: clinical testing. Allele origin: germline. Affected: yes.
Comment: Canonical splice site variant in a gene or region of a gene for which loss of function is not a well-established mechanism of disease; Not observed at significant frequency in large population cohorts (gnomAD); Has not been previously published as pathogenic or benign to our knowledge